The following is an entry in ClinVar:

NM_006206.6(PDGFRA):c.*479C>A

Gene: PDGFRA (platelet derived growth factor receptor alpha; plus strand). Cytogenetic location: 4q12.
Variant type: single nucleotide variant.
Coding change: c.*479C>A on transcript NM_006206.6 (MANE Select); 479 bases downstream of the stop codon, C replaced by A.
Molecular consequence: 3 prime UTR variant.
Genome position (GRCh38, 1-based): chr4:54,295,751, C>A. VCF-style: chr4-54295751-C-A. GRCh37 (hg19) VCF-style: chr4-55161918-C-A.
Other names: c.*479C>A (NM_001347828.2, NM_001347829.2, NM_001347830.2).
Identifiers: ClinVar variation 900819 (VCV000900819.4), dbSNP rs117886200, ClinGen allele CA96833607.
Genomic context (GRCh38, chr4:54,295,751, plus strand): 5'-GAGACCACTCAATCCATCCATGTACTTCCCTCTTGAAACCTGATGTCAGCTGCTGTTGAA[C>A]TTTTTAAAGAAGTGCATGAAAAACCATTTTTGAACCTTAAAAGGTACTGGTACTATAGCA-3'

ClinVar aggregate classification (germline): Benign. Review status: criteria provided, single submitter (1 of 4 stars). 2 submissions from 1 submitter: Benign (2). Last evaluated 2017-04-27.

Conditions:
Gastrointestinal stromal tumor. Also called: Gastrointestinal stroma tumor; Gastrointestinal stromal tumor, somatic. Identifiers: Orphanet 44890, MedGen C0238198, MeSH D046152, MONDO:0011719, OMIM 606764, HP:0100723.
Idiopathic hypereosinophilic syndrome (HES). Identifiers: Orphanet 3260, MedGen C0206141, MONDO:0011895, OMIM 607685. Disease mechanism: gain of function.

Allele frequency attached by ClinVar (database versions not stated): gnomAD exomes 0.00016; TOPMed 0.00018; 1000 Genomes Project 0.00100; 1000 Genomes Project 30x 0.00141; gnomAD 0.00008 and 0.00015.
gnomAD v4.1: 38 of 246,872 alleles (0.015%); highest among the groups gnomAD compares: East Asian, 0.19%; no homozygotes.

Submissions (2):

Illumina Laboratory Services, Illumina
Classification: Benign for Gastrointestinal stromal tumor. Last evaluated: 2017-04-27. Review status: criteria provided, single submitter. Criteria: ICSL Variant Classification Criteria 13 December 2019. Collection method: clinical testing. Allele origin: germline.
Comment: This variant was observed as part of a predisposition screen in an ostensibly healthy population. A literature search was performed for the gene, cDNA change, and amino acid change (where applicable). No publications were found based on this search. Allele frequency data from public databases was too high to be consistent with this variant causing disease. Therefore, this variant is classified as benign.

Illumina Laboratory Services, Illumina
Classification: Benign for Idiopathic hypereosinophilic syndrome. Last evaluated: 2017-04-27. Review status: criteria provided, single submitter. Criteria: ICSL Variant Classification Criteria 13 December 2019. Collection method: clinical testing. Allele origin: germline.
Comment: the same text as in the submission from Illumina Laboratory Services, Illumina above.